The following is an entry in ClinVar:

ClinVar aggregate classification (germline): Uncertain significance (1 of 4 stars; one submission).

Conditions:
Hereditary cancer-predisposing syndrome. Also called: Tumor predisposition; Hereditary Cancer Syndrome; Neoplastic Syndromes, Hereditary; Hereditary neoplastic syndrome. Identifiers: Orphanet 140162, MedGen C0027672, MeSH D009386, MONDO:0015356.

Allele frequency attached by ClinVar (database versions not stated): gnomAD exomes below 0.00001.
gnomAD v4.1: 1 of 1,501,366 alleles (0.000067%); highest among the groups gnomAD compares: Non-Finnish European, 0.000093%; no homozygotes.

Submission:

Ambry Genetics
Classification: Uncertain significance for Hereditary cancer-predisposing syndrome. Last evaluated: 2022-02-05. Review status: criteria provided, single submitter. Criteria: Ambry Variant Classification Scheme 2023. Collection method: clinical testing. Allele origin: germline.
Comment: The p.G926E variant (also known as c.2777G>A), located in coding exon 16 of the ALK gene, results from a G to A substitution at nucleotide position 2777. The glycine at codon 926 is replaced by glutamic acid, an amino acid with similar properties. This amino acid position is conserved. In addition, the in silico prediction for this alteration is inconclusive. Since supporting evidence is limited at this time, the clinical significance of this alteration remains unclear.

NM_004304.5(ALK):c.2777G>A (p.Gly926Glu)

Gene: ALK (ALK receptor tyrosine kinase; minus strand). Cytogenetic location: 2p23.2.
Variant type: single nucleotide variant.
Coding change: c.2777G>A on transcript NM_004304.5 (MANE Select); coding-DNA position 2777, G replaced by A.
Protein change: p.Gly926Glu; replaces glycine 926 with glutamic acid.
Molecular consequence: missense variant.
Genome position (GRCh38, 1-based): chr2:29,228,922, C>T on the plus strand (G>A on the coding strand, the complement: ALK is on the minus strand). VCF-style: chr2-29228922-C-T. GRCh37 (hg19) VCF-style: chr2-29451788-C-T.
Other names: short protein forms G926E.
Identifiers: ClinVar variation 1795864 (VCV001795864.2), dbSNP rs1490348940, ClinGen allele CA346469574.
Genomic context (GRCh38, chr2:29,228,922, plus strand): 5'-CTTGAACACGAATCATCTTTACCTATATATCCTCCGCCTCCTCCACCTGAGGAGCACCCC[C>T]CTCCACCCCCTCCGAAACCCCCTCTTGTCTCCCACCCCCACTTCTTCATGGCCTGGGGGC-3'
Protein context (NP_004295.2, residues 916-936): ETRGGFGGGG[Gly926Glu]GCSSGGGGGG